The following is an entry in ClinVar:

ClinVar aggregate classification (germline): Uncertain significance. Review status: criteria provided, multiple submitters, no conflicts (2 of 4 stars). 2 submissions from 2 submitters: Uncertain significance (2). Last evaluated 2024-06-24.

Conditions:
ALG9 congenital disorder of glycosylation (CDG1L). Also called: CDG Il; ALG9-CDG; CONGENITAL DISORDER OF GLYCOSYLATION, TYPE Il. Identifiers: Orphanet 79328, MedGen C2931006, MONDO:0012117, OMIM 608776.

Allele frequency attached by ClinVar (database versions not stated): TOPMed 0.00001; gnomAD 0.00003; gnomAD exomes 0.00003; ExAC 0.00005; 1000 Genomes Project 30x 0.00016; 1000 Genomes Project 0.00020.
gnomAD v4.1: 54 of 1,608,904 alleles (0.0034%); highest among the groups gnomAD compares: South Asian, 0.044%; no homozygotes.

Submissions (2):

GeneDx
Classification: Uncertain significance. Last evaluated: 2024-06-24. Review status: criteria provided, single submitter. Criteria: GeneDx Variant Classification Process June 2021. Collection method: clinical testing. Allele origin: germline. Affected: yes.
Comment: In silico analysis supports that this missense variant has a deleterious effect on protein structure/function; Has not been previously published as pathogenic or benign to our knowledge

Labcorp Genetics (formerly Invitae), Labcorp
Classification: Uncertain significance for ALG9 congenital disorder of glycosylation. Last evaluated: 2022-04-12. Review status: criteria provided, single submitter. Criteria: Invitae Variant Classification Sherloc (09022015). Collection method: clinical testing. Allele origin: germline.
Comment: This sequence change replaces arginine, which is basic and polar, with glutamine, which is neutral and polar, at codon 63 of the ATP6V0A2 protein (p.Arg63Gln). This variant is present in population databases (rs573668665, gnomAD 0.05%). This variant has not been reported in the literature in individuals affected with ATP6V0A2-related conditions. Algorithms developed to predict the effect of missense changes on protein structure and function are either unavailable or do not agree on the potential impact of this missense change (SIFT: "Deleterious"; PolyPhen-2: "Possibly Damaging"; Align-GVGD: "Class C0"). In summary, the available evidence is currently insufficient to determine the role of this variant in disease. Therefore, it has been classified as a Variant of Uncertain Significance.

NM_012463.4(ATP6V0A2):c.188G>A (p.Arg63Gln)

Gene: ATP6V0A2 (ATPase H+ transporting V0 subunit a2; plus strand). Cytogenetic location: 12q24.31.
Variant type: single nucleotide variant.
Coding change: c.188G>A on transcript NM_012463.4 (MANE Select); coding-DNA position 188, G replaced by A.
Protein change: p.Arg63Gln; replaces arginine 63 with glutamine.
Molecular consequence: missense variant.
Genome position (GRCh38, 1-based): chr12:123,718,693, G>A. VCF-style: chr12-123718693-G-A. GRCh37 (hg19) VCF-style: chr12-124203240-G-A.
Other names: c.188G>A (NM_012463.3); short protein forms R63Q.
Identifiers: ClinVar variation 2165089 (VCV002165089.3), dbSNP rs573668665, ClinGen allele CA6861516.